The following is an entry in ClinVar:

ClinVar aggregate classification (germline): Uncertain significance (1 of 4 stars; one submission).

Submission:

GeneDx
Classification: Uncertain significance. Last evaluated: 2024-05-01. Review status: criteria provided, single submitter. Criteria: GeneDx Variant Classification Process June 2021. Collection method: clinical testing. Allele origin: germline. Affected: yes.
Comment: Not observed at significant frequency in large population cohorts (gnomAD); In silico analysis supports that this missense variant has a deleterious effect on protein structure/function; Has not been previously published as pathogenic or benign to our knowledge

NM_023110.3(FGFR1):c.1166G>A (p.Cys389Tyr)

Gene: FGFR1 (fibroblast growth factor receptor 1; minus strand). Cytogenetic location: 8p11.23.
Variant type: single nucleotide variant.
Coding change: c.1166G>A on transcript NM_023110.3 (MANE Select); coding-DNA position 1166, G replaced by A.
Protein change: p.Cys389Tyr; replaces cysteine 389 with tyrosine.
Molecular consequence: missense variant.
Genome position (GRCh38, 1-based): chr8:38,419,651, C>T on the plus strand (G>A on the coding strand, the complement: FGFR1 is on the minus strand). VCF-style: chr8-38419651-C-T. GRCh37 (hg19) VCF-style: chr8-38277169-C-T.
Other names: c.1166G>A, p.Cys389Tyr (NM_001174063.2); c.1142G>A, p.Cys381Tyr (NM_001174064.2); c.1160G>A, p.Cys387Tyr (NM_001174065.2, NM_001354367.2, NM_001354369.2 and 2 more transcripts); c.899G>A, p.Cys300Tyr (NM_001174066.2, NM_023105.3); c.1259G>A, p.Cys420Tyr (NM_001174067.2); c.893G>A, p.Cys298Tyr (NM_001354368.2, NM_001354370.2, NM_023106.3); short protein forms C298Y, C300Y, C381Y, C387Y, C389Y, C420Y.
Identifiers: ClinVar variation 3373277 (VCV003373277.1).